The following is an entry in ClinVar:

ClinVar aggregate classification (germline): Uncertain significance (1 of 4 stars; one submission).

Submission:

Labcorp Genetics (formerly Invitae), Labcorp
Classification: Uncertain significance. Last evaluated: 2025-12-13. Review status: criteria provided, single submitter. Criteria: Invitae Variant Classification Sherloc (09022015). Collection method: clinical testing. Allele origin: germline.
Comment: This sequence change replaces leucine, which is neutral and non-polar, with serine, which is neutral and polar, at codon 775 of the KIF20A protein (p.Leu775Ser). This variant is present in population databases (rs748866121, gnomAD 0.05%). This variant has not been reported in the literature in individuals affected with KIF20A-related conditions. An algorithm developed to predict the effect of missense changes on protein structure and function (PolyPhen-2) suggests that this variant is likely to be disruptive. In summary, the available evidence is currently insufficient to determine the role of this variant in disease. Therefore, it has been classified as a Variant of Uncertain Significance.

NM_005733.3(KIF20A):c.2324T>C (p.Leu775Ser)

Gene: KIF20A (kinesin family member 20A; plus strand). Cytogenetic location: 5q31.2.
Variant type: single nucleotide variant.
Coding change: c.2324T>C on transcript NM_005733.3 (MANE Select); coding-DNA position 2324, T replaced by C.
Protein change: p.Leu775Ser; replaces leucine 775 with serine.
Molecular consequence: missense variant.
Genome position (GRCh38, 1-based): chr5:138,186,400, T>C. VCF-style: chr5-138186400-T-C. GRCh37 (hg19) VCF-style: chr5-137522089-T-C.
Other names: short protein forms L775S.
Identifiers: ClinVar variation 4695596 (VCV004695596.1).
Genomic context (GRCh38, chr5:138,186,400, plus strand): 5'-TCCAATCAGCAGAGAGAGCTTGTTGCCACAGCACTGGGGCAGGAAAACTTCGTCAAGCCT[T>C]GACCACTTGTGATGACATCTTAATCAAACAGGTTAGGGCAAACTATATACCCACTTCTGT-3'
Protein context (NP_005724.1, residues 765-785): STGAGKLRQA[Leu775Ser]TTCDDILIKQ